The following is an entry in ClinVar:

NM_006015.6(ARID1A):c.3242A>G (p.Asn1081Ser)

Gene: ARID1A (AT-rich interaction domain 1A; plus strand). Cytogenetic location: 1p36.11.
Variant type: single nucleotide variant.
Coding change: c.3242A>G on transcript NM_006015.6 (MANE Select); coding-DNA position 3242, A replaced by G.
Protein change: p.Asn1081Ser; replaces asparagine 1081 with serine.
Molecular consequence: missense variant.
Genome position (GRCh38, 1-based): chr1:26,771,162, A>G. VCF-style: chr1-26771162-A-G. GRCh37 (hg19) VCF-style: chr1-27097653-A-G.
Other names: c.3242A>G, p.Asn1081Ser (NM_139135.4); short protein forms N1081S.
Identifiers: ClinVar variation 2073050 (VCV002073050.6), dbSNP rs148400981, ClinGen allele CA707180.
Genomic context (GRCh38, chr1:26,771,162, plus strand): 5'-TTGGTTTGGTTATACAGGTCAACAAGAACAAAAAATGGCGGGAACTTGCAACCAACCTCA[A>G]TGTGGGCACATCAAGCAGTGCTGCCAGCTCCTTGAAAAAGCAGTATATCCAGTGTCTCTA-3'
Protein context (NP_006006.3, residues 1071-1091): KKWRELATNL[Asn1081Ser]VGTSSSAASS

ClinVar aggregate classification (germline): Benign. Review status: criteria provided, single submitter (1 of 4 stars). 2 submissions from 2 submitters: Benign (1). 1 of the submissions does not count toward it. Last evaluated 2025-05-22.

Conditions:
ARID1A-related disorder. Also called: ARID1A-related condition.

Allele frequency attached by ClinVar (database versions not stated): gnomAD exomes 0.00003; ExAC 0.00010; TOPMed 0.00036; ESP Exome Variant Server 0.00038; gnomAD 0.00039; 1000 Genomes Project 0.00040; 1000 Genomes Project 30x 0.00047.
gnomAD v4.1: 101 of 1,614,198 alleles (0.0063%); highest among the groups gnomAD compares: African/African-American, 0.12%; no homozygotes.

Submissions (2):

Labcorp Genetics (formerly Invitae), Labcorp
Classification: Benign. Last evaluated: 2025-05-22. Review status: criteria provided, single submitter. Criteria: Invitae Variant Classification Sherloc (09022015). Collection method: clinical testing. Allele origin: germline.

PreventionGenetics, part of Exact Sciences
Classification: Likely benign for ARID1A-related condition. Last evaluated: 2022-03-16. Review status: no assertion criteria provided. Collection method: clinical testing. Allele origin: germline. Not counted in ClinVar's aggregate classification.
Comment: This variant is classified as likely benign based on ACMG/AMP sequence variant interpretation guidelines (Richards et al. 2015 PMID: 25741868, with internal and published modifications).